The following is an entry in ClinVar:

ClinVar aggregate classification (germline): Benign/Likely benign. Review status: criteria provided, multiple submitters, no conflicts (2 of 4 stars). 3 submissions from 3 submitters: Benign (1); Likely benign (1). 1 of the submissions does not count toward it. Last evaluated 2024-11-13.

Conditions:
KIF5C-related disorder. Also called: KIF5C-related condition.

Allele frequency attached by ClinVar (database versions not stated): gnomAD exomes 0.00010 and 0.00029; ExAC 0.00041; gnomAD 0.00109 and 0.00113; TOPMed 0.00119; ESP Exome Variant Server 0.00134; 1000 Genomes Project 30x 0.00234; 1000 Genomes Project 0.00240.
gnomAD v4.1: 323 of 1,613,812 alleles (0.02%); highest among the groups gnomAD compares: African/African-American, 0.38%; 2 homozygotes.

Submissions (3):

Blueprint Genetics
Classification: Likely benign. Last evaluated: 2024-11-13. Review status: criteria provided, single submitter. Criteria: ACMG Guidelines, 2015. Collection method: clinical testing. Allele origin: germline.

GeneDx
Classification: Benign. Last evaluated: 2020-07-09. Review status: criteria provided, single submitter. Criteria: GeneDx Variant Classification Process June 2021. Collection method: clinical testing. Allele origin: germline. Affected: yes.

PreventionGenetics, part of Exact Sciences
Classification: Likely benign for KIF5C-related condition. Last evaluated: 2024-02-26. Review status: no assertion criteria provided. Collection method: clinical testing. Allele origin: germline. Not counted in ClinVar's aggregate classification.
Comment: This variant is classified as likely benign based on ACMG/AMP sequence variant interpretation guidelines (Richards et al. 2015 PMID: 25741868, with internal and published modifications).

NM_004522.3(KIF5C):c.2394G>A (p.Leu798=)

Gene: KIF5C (kinesin family member 5C; plus strand). Cytogenetic location: 2q23.2.
Variant type: single nucleotide variant.
Coding change: c.2394G>A on transcript NM_004522.3 (MANE Select); coding-DNA position 2394, G replaced by A.
Protein change: p.Leu798=; no amino-acid change (leucine 798 retained).
Molecular consequence: synonymous variant. On other transcripts: non-coding transcript variant (1).
Genome position (GRCh38, 1-based): chr2:149,005,413, G>A. VCF-style: chr2-149005413-G-A. GRCh37 (hg19) VCF-style: chr2-149861927-G-A.
Identifiers: ClinVar variation 1264832 (VCV001264832.5), dbSNP rs184488465, ClinGen allele CA1901689.
Genomic context (GRCh38, chr2:149,005,413, plus strand): 5'-GAATTGCTGCACTTAAGTGGCCTTTAAAAATCTCTTCCAGTCTAGAGAATTGCAGACACT[G>A]CACAACCTTCGGAAACTCTTTGTCCAGGATCTGACCACCCGAGTTAAAAAAGTGAGTTCT-3'
Protein context (NP_004513.1, residues 788-808): EETVSRELQT[Leu798=]HNLRKLFVQD